The following is an entry in ClinVar:

ClinVar aggregate classification (germline): Benign. Review status: criteria provided, multiple submitters, no conflicts (2 of 4 stars). 5 submissions from 5 submitters: Benign (4). 1 of the submissions does not count toward it. Last evaluated 2026-02-02.

Conditions:
PRKDC-related disorder. Also called: PRKDC-related condition.
Severe combined immunodeficiency due to DNA-PKcs deficiency. Also called: IMMUNODEFICIENCY 26 WITH NEUROLOGIC ABNORMALITIES; Immunodeficiency 26 with or without neurologic abnormalities. Identifiers: Orphanet 317425, MedGen C4014833, MONDO:0014423, OMIM 615966.

Allele frequency attached by ClinVar (database versions not stated): gnomAD exomes 0.00537 and 0.01400; ExAC 0.01731; gnomAD 0.05288 and 0.05686; ESP Exome Variant Server 0.05420; TOPMed 0.05986; 1000 Genomes Project 0.06090; 1000 Genomes Project 30x 0.06262.
gnomAD v4.1: 16,004 of 1,567,014 alleles (1%); highest among the groups gnomAD compares: African/African-American, 19%; 1,323 homozygotes.

Submissions (15):

Labcorp Genetics (formerly Invitae), Labcorp
Classification: Benign for Severe combined immunodeficiency due to DNA-PKcs deficiency. Last evaluated: 2026-02-02. Review status: criteria provided, single submitter. Criteria: Invitae Variant Classification Sherloc (09022015). Collection method: clinical testing. Allele origin: germline.

Women's Health and Genetics/Laboratory Corporation of America, LabCorp
Classification: Benign. Last evaluated: 2026-01-21. Review status: criteria provided, single submitter. Criteria: LabCorp Variant Classification Summary - May 2015. Collection method: clinical testing. Allele origin: germline.

GeneDx
Classification: Benign. Last evaluated: 2016-03-03. Review status: criteria provided, single submitter. Criteria: GeneDx Variant Classification (06012015). Collection method: clinical testing. Allele origin: germline. Affected: yes.
Comment: This variant is considered likely benign or benign based on one or more of the following criteria: it is a conservative change, it occurs at a poorly conserved position in the protein, it is predicted to be benign by multiple in silico algorithms, and/or has population frequency not consistent with disease.

Breakthrough Genomics
Classification: Benign. Review status: criteria provided, single submitter. Criteria: ACMG Guidelines, 2015. Collection method: not provided. Allele origin: germline. Inheritance: Autosomal recessive inheritance. Affected: yes.

PreventionGenetics, part of Exact Sciences
Classification: Benign for PRKDC-related condition. Last evaluated: 2019-07-08. Review status: no assertion criteria provided. Collection method: clinical testing. Allele origin: germline. Not counted in ClinVar's aggregate classification.
Comment: This variant is classified as benign based on ACMG/AMP sequence variant interpretation guidelines (Richards et al. 2015 PMID: 25741868, with internal and published modifications).

Dr. Peter K. Rogan Lab, Western University
No classification provided (evidence only). Condition: Lung cancer. Review status: no classification provided. Collection method: in vitro. Allele origin: not applicable. Functional consequence: retained intron. Not counted in ClinVar's aggregate classification.

Dr. Peter K. Rogan Lab, Western University
No classification provided (evidence only). Condition: Acute myeloid leukemia. Review status: no classification provided. Collection method: in vitro. Allele origin: not applicable. Functional consequence: retained intron. Not counted in ClinVar's aggregate classification.

Dr. Peter K. Rogan Lab, Western University
No classification provided (evidence only). Condition: Cervical cancer. Review status: no classification provided. Collection method: in vitro. Allele origin: not applicable. Functional consequence: retained intron. Not counted in ClinVar's aggregate classification.

Dr. Peter K. Rogan Lab, Western University
No classification provided (evidence only). Condition: Cervical cancer. Review status: no classification provided. Collection method: in vitro. Allele origin: not applicable. Functional consequence: retained intron. Not counted in ClinVar's aggregate classification.

Dr. Peter K. Rogan Lab, Western University
No classification provided (evidence only). Condition: Cervical cancer. Review status: no classification provided. Collection method: in vitro. Allele origin: not applicable. Functional consequence: retained intron. Not counted in ClinVar's aggregate classification.

Dr. Peter K. Rogan Lab, Western University
No classification provided (evidence only). Condition: Ovarian serous cystadenocarcinoma. Review status: no classification provided. Collection method: in vitro. Allele origin: not applicable. Functional consequence: retained intron. Not counted in ClinVar's aggregate classification.

Dr. Peter K. Rogan Lab, Western University
No classification provided (evidence only). Condition: Ovarian serous cystadenocarcinoma. Review status: no classification provided. Collection method: in vitro. Allele origin: not applicable. Functional consequence: retained intron. Not counted in ClinVar's aggregate classification.

Dr. Peter K. Rogan Lab, Western University
No classification provided (evidence only). Condition: Gastric cancer. Review status: no classification provided. Collection method: in vitro. Allele origin: not applicable. Functional consequence: retained intron. Not counted in ClinVar's aggregate classification.

Dr. Peter K. Rogan Lab, Western University
No classification provided (evidence only). Condition: Gastric cancer. Review status: no classification provided. Collection method: in vitro. Allele origin: not applicable. Functional consequence: retained intron. Not counted in ClinVar's aggregate classification.

Dr. Peter K. Rogan Lab, Western University
No classification provided (evidence only). Condition: Malignant tumor of esophagus. Review status: no classification provided. Collection method: in vitro. Allele origin: not applicable. Functional consequence: retained intron. Not counted in ClinVar's aggregate classification.

NM_006904.7(PRKDC):c.2934+5G>C

Gene: PRKDC (protein kinase, DNA-activated, catalytic subunit; minus strand). Cytogenetic location: 8q11.21.
Variant type: single nucleotide variant.
Coding change: c.2934+5G>C on transcript NM_006904.7 (MANE Select); 5 bases into the intron after coding-DNA position 2934, G replaced by C.
Molecular consequence: intron variant.
Genome position (GRCh38, 1-based): chr8:47,912,405, C>G on the plus strand (G>C on the coding strand, the complement: PRKDC is on the minus strand). VCF-style: chr8-47912405-C-G. GRCh37 (hg19) VCF-style: chr8-48824965-C-G.
Other names: c.2934+5G>C (NM_001081640.2).
Identifiers: ClinVar variation 379644 (VCV000379644.16), dbSNP rs8178060, ClinGen allele CA4741327.